The following is an entry in ClinVar:

NM_014319.5(LEMD3):c.1156C>G (p.Leu386Val)

Gene: LEMD3 (LEM domain containing 3; plus strand). Cytogenetic location: 12q14.3.
Variant type: single nucleotide variant.
Coding change: c.1156C>G on transcript NM_014319.5 (MANE Select); coding-DNA position 1156, C replaced by G.
Protein change: p.Leu386Val; replaces leucine 386 with valine.
Molecular consequence: missense variant.
Genome position (GRCh38, 1-based): chr12:65,170,752, C>G. VCF-style: chr12-65170752-C-G. GRCh37 (hg19) VCF-style: chr12-65564532-C-G.
Other names: c.1156C>G, p.Leu386Val (NM_001167614.2); short protein forms L386V.
Identifiers: ClinVar variation 3664634 (VCV003664634.2).
Genomic context (GRCh38, chr12:65,170,752, plus strand): 5'-CCTCTCCTGCCCCCGCCACTTACTGACATGGACTCAACCTTGGATTCGTCAACAGGCTCC[C>G]TTCTGAAAACCAATAATCATATTGGCGGTGGGGCCTTCAGTGTGGACTCCCCCAGGATTT-3'
Protein context (NP_055134.2, residues 376-396): DSTLDSSTGS[Leu386Val]LKTNNHIGGG

ClinVar aggregate classification (germline): Uncertain significance (1 of 4 stars; one submission).

gnomAD v4.1: 2 of 1,614,250 alleles (0.00012%); highest among the groups gnomAD compares: Admixed American, 0.0017%; no homozygotes.

Submission:

Labcorp Genetics (formerly Invitae), Labcorp
Classification: Uncertain significance. Last evaluated: 2024-08-07. Review status: criteria provided, single submitter. Criteria: Invitae Variant Classification Sherloc (09022015). Collection method: clinical testing. Allele origin: germline.
Comment: This sequence change replaces leucine, which is neutral and non-polar, with valine, which is neutral and non-polar, at codon 386 of the LEMD3 protein (p.Leu386Val). This variant is not present in population databases (gnomAD no frequency). This variant has not been reported in the literature in individuals affected with LEMD3-related conditions. Advanced modeling of protein sequence and biophysical properties (such as structural, functional, and spatial information, amino acid conservation, physicochemical variation, residue mobility, and thermodynamic stability) performed at Invitae indicates that this missense variant is not expected to disrupt LEMD3 protein function with a negative predictive value of 80%. In summary, the available evidence is currently insufficient to determine the role of this variant in disease. Therefore, it has been classified as a Variant of Uncertain Significance.